The following is an entry in ClinVar:

ClinVar aggregate classification (germline): Likely pathogenic (1 of 4 stars; one submission).

Conditions:
VPS13B-related disorder. Also called: VPS13B-related condition.

Submission:

PreventionGenetics, part of Exact Sciences
Classification: Likely pathogenic for VPS13B-related condition. Last evaluated: 2025-10-28. Review status: criteria provided, single submitter. Criteria: ACMG Guidelines, 2015. Collection method: clinical testing. Allele origin: germline.
Comment: The VPS13B c.3667-2A>T variant is predicted to disrupt the AG splice acceptor site and interfere with normal splicing. To our knowledge, this variant has not been reported in the literature or in a large population database (gnomAD), indicating this variant is rare. Variants that disrupt the consensus splice acceptor site in VPS13B are expected to be pathogenic. This variant is interpreted as likely pathogenic.

NM_152564.5(VPS13B):c.3667-2A>T

Gene: VPS13B (vacuolar protein sorting 13 homolog B; plus strand). Cytogenetic location: 8q22.2.
Variant type: single nucleotide variant.
Coding change: c.3667-2A>T on transcript NM_152564.5 (MANE Select); the canonical splice acceptor site of the intron before coding-DNA position 3667, A replaced by T.
Molecular consequence: splice acceptor variant.
Genome position (GRCh38, 1-based): chr8:99,481,597, A>T. VCF-style: chr8-99481597-A-T. GRCh37 (hg19) VCF-style: chr8-100493825-A-T.
Other names: c.3667-2A>T (NM_017890.5).
Identifiers: ClinVar variation 4994305 (VCV004994305.1).